The following is an entry in ClinVar:

NM_018474.6(KIZ):c.1121C>G (p.Thr374Ser)

Gene: KIZ (kizuna centrosomal protein; plus strand). Cytogenetic location: 20p11.23.
Variant type: single nucleotide variant.
Coding change: c.1121C>G on transcript NM_018474.6 (MANE Select); coding-DNA position 1121, C replaced by G.
Protein change: p.Thr374Ser; replaces threonine 374 with serine.
Molecular consequence: missense variant.
Genome position (GRCh38, 1-based): chr20:21,162,928, C>G. VCF-style: chr20-21162928-C-G. GRCh37 (hg19) VCF-style: chr20-21143569-C-G.
Other names: c.812C>G, p.Thr271Ser (NM_001163022.3, NM_001352435.2); c.722C>G, p.Thr241Ser (NM_001163023.3); c.974C>G, p.Thr325Ser (NM_001276389.2); c.1121C>G, p.Thr374Ser (NM_001352434.2); c.779C>G, p.Thr260Ser (NM_001352436.2); short protein forms T241S, T271S, T325S, T260S, T374S.
Identifiers: ClinVar variation 1374745 (VCV001374745.6), dbSNP rs2122701652, ClinGen allele CA408493483.

ClinVar aggregate classification (germline): Uncertain significance (1 of 4 stars; one submission).

gnomAD v4.1: 1 of 1,613,558 alleles (0.000062%); highest among the groups gnomAD compares: Non-Finnish European, 0.000085%; no homozygotes.

Submission:

Labcorp Genetics (formerly Invitae), Labcorp
Classification: Uncertain significance. Last evaluated: 2024-12-02. Review status: criteria provided, single submitter. Criteria: Invitae Variant Classification Sherloc (09022015). Collection method: clinical testing. Allele origin: germline.
Comment: This sequence change replaces threonine with serine at codon 374 of the KIZ protein (p.Thr374Ser). The threonine residue is weakly conserved and there is a small physicochemical difference between threonine and serine. This variant is not present in population databases (gnomAD no frequency). This variant has not been reported in the literature in individuals affected with KIZ-related conditions. ClinVar contains an entry for this variant (Variation ID: 1374745). Experimental studies and prediction algorithms are not available or were not evaluated, and the functional significance of this variant is currently unknown. In summary, the available evidence is currently insufficient to determine the role of this variant in disease. Therefore, it has been classified as a Variant of Uncertain Significance.